The following is an entry in ClinVar:

ClinVar aggregate classification (germline): Likely benign. Review status: criteria provided, multiple submitters, no conflicts (2 of 4 stars). 4 submissions from 4 submitters: Likely benign (4). Last evaluated 2022-07-25.

Conditions:
Cardiovascular phenotype. Identifiers: MedGen CN230736.
Dilated cardiomyopathy 1JJ (CMD1JJ). Identifiers: Orphanet 154, MedGen C3808935, MONDO:0014095, OMIM 615235.

Allele frequency attached by ClinVar (database versions not stated): TOPMed below 0.00001; gnomAD exomes 0.00001; ExAC 0.00002.
gnomAD v4.1: 25 of 1,613,682 alleles (0.0015%); highest among the groups gnomAD compares: Middle Eastern, 0.017%; no homozygotes.

Submissions (4):

Ambry Genetics
Classification: Likely benign for Cardiovascular phenotype. Last evaluated: 2022-07-25. Review status: criteria provided, single submitter. Criteria: Ambry Variant Classification Scheme 2023. Collection method: clinical testing. Allele origin: germline.

Labcorp Genetics (formerly Invitae), Labcorp
Classification: Likely benign for Dilated cardiomyopathy 1JJ. Last evaluated: 2022-07-19. Review status: criteria provided, single submitter. Criteria: Invitae Variant Classification Sherloc (09022015). Collection method: clinical testing. Allele origin: germline.

Fulgent Genetics
Classification: Likely benign for Dilated cardiomyopathy 1JJ. Last evaluated: 2021-09-09. Review status: criteria provided, single submitter. Criteria: ACMG Guidelines, 2015. Collection method: clinical testing. Allele origin: unknown.

Laboratory for Molecular Medicine, Mass General Brigham Personalized Medicine
Classification: Likely benign. Last evaluated: 2013-04-20. Review status: criteria provided, single submitter. Criteria: LMM Criteria. Collection method: clinical testing. Allele origin: germline. Observed: 1 variant allele.
Comment: Asn89Asn in exon 3 of LAMA4: This variant is not expected to have clinical signi ficance because it does not alter an amino acid residue and is not located withi n the splice consensus sequence. Asn89Asn in exon 3 of LAMA4 (allele frequenc y = n/a)

NM_001105206.3(LAMA4):c.267C>T (p.Asn89=)

Gene: LAMA4 (laminin subunit alpha 4; minus strand). Cytogenetic location: 6q21.
Variant type: single nucleotide variant.
Coding change: c.267C>T on transcript NM_001105206.3 (MANE Select); coding-DNA position 267, C replaced by T.
Protein change: p.Asn89=; no amino-acid change (asparagine 89 retained).
Molecular consequence: synonymous variant.
Genome position (GRCh38, 1-based): chr6:112,216,398, G>A on the plus strand (C>T on the coding strand, the complement: LAMA4 is on the minus strand). VCF-style: chr6-112216398-G-A. GRCh37 (hg19) VCF-style: chr6-112537599-G-A.
Other names: c.267C>T, p.Asn89= (NM_001105207.3, NM_002290.5).
Identifiers: ClinVar variation 163797 (VCV000163797.15), dbSNP rs727503114, ClinGen allele CA176508.